The following is an entry in ClinVar:

NM_000384.3(APOB):c.10955A>G (p.Asn3652Ser)

Gene: APOB (apolipoprotein B; minus strand). Cytogenetic location: 2p24.1.
Variant type: single nucleotide variant.
Coding change: c.10955A>G on transcript NM_000384.3 (MANE Select); coding-DNA position 10955, A replaced by G.
Protein change: p.Asn3652Ser; replaces asparagine 3652 with serine.
Molecular consequence: missense variant.
Genome position (GRCh38, 1-based): chr2:21,005,913, T>C on the plus strand (A>G on the coding strand, the complement: APOB is on the minus strand). VCF-style: chr2-21005913-T-C. GRCh37 (hg19) VCF-style: chr2-21228785-T-C.
Other names: short protein forms N3652S.
Identifiers: ClinVar variation 2502254 (VCV002502254.2), dbSNP rs760734006, ClinGen allele CA045262.

ClinVar aggregate classification (germline): Uncertain significance (1 of 4 stars; one submission).

Conditions:
Familial hypobetalipoproteinemia 1. Also called: APOB-Related Familial Hypobetalipoproteinemia; Hypobetalipoproteinemia, normotriglyceridemic; Acanthocytosis with hypobetalipoproteinemia. Identifiers: MedGen C4551990, MONDO:0014252, OMIM 615558.
Hypercholesterolemia, autosomal dominant, type B (FHCL2). Also called: APOLIPOPROTEIN B-100, FAMILIAL DEFECTIVE; APOLIPOPROTEIN B-100, FAMILIAL LIGAND-DEFECTIVE; HYPERCHOLESTEROLEMIA, FAMILIAL, DUE TO LIGAND-DEFECTIVE APOLIPOPROTEIN B; Familial Hypercholesterolemia Type B; APOB-Related Familial Hypercholesterolemia, Autosomal Dominant; Hyperlipoproteinemia Type IIb. Identifiers: MedGen C1704417, MONDO:0007751, OMIM 144010.

Allele frequency attached by ClinVar (database versions not stated): ExAC 0.00002.
gnomAD v4.1: 2 of 1,613,966 alleles (0.00012%); highest among the groups gnomAD compares: Non-Finnish European, 0.00017%; no homozygotes.

Submission:

New York Genome Center
Classification: Uncertain significance for Familial hypobetalipoproteinemia 1; Hypercholesterolemia, autosomal dominant, type B. Last evaluated: 2022-01-28. Review status: criteria provided, single submitter. Criteria: NYGC Assertion Criteria 2020. Collection method: clinical testing. Allele origin: germline. Observed: 1 heterozygote.
Comment: The c.10955A>G (p.Asn3652Ser) variant identified in the APOB gene substitutes a well conserved Asparagine for Serine at amino acid 3652/4564 (exon 26/29). This variant is found with low frequency in gnomAD(v2.1.1) (2 heterozygotes, 0 homozygotes; allele frequency: 7.968e-6) suggesting it is not a common benign variant in the populations represented in that database. In silico algorithms predict this variant to be Damaging (SIFT; score:0.03) and Benign(REVEL; score:0.307) to the function of the canonical transcript. This variant is absent from ClinVar and to our current knowledge has not been reported in affected individuals in the literature. The p.Asn3652 residue is not within a mapped domain of APOB (UniProtKB:P04114). Given the lack of compelling evidence for its pathogenicity, the heterozygous c.10955A>G (p.Asn3652Ser) variant identified in the APOB gene is reported as a Variant of UncertainSignificance.